The following is an entry in ClinVar:

NM_000179.3(MSH6):c.1876C>G (p.Gln626Glu)

Gene: MSH6 (mutS homolog 6; plus strand). Cytogenetic location: 2p16.3.
Variant type: single nucleotide variant.
Coding change: c.1876C>G on transcript NM_000179.3 (MANE Select); coding-DNA position 1876, C replaced by G.
Protein change: p.Gln626Glu; replaces glutamine 626 with glutamic acid.
Molecular consequence: missense variant.
Genome position (GRCh38, 1-based): chr2:47,799,859, C>G. VCF-style: chr2-47799859-C-G. GRCh37 (hg19) VCF-style: chr2-48026998-C-G.
Other names: c.1486C>G, p.Gln496Glu (NM_001281492.2); c.970C>G, p.Gln324Glu (NM_001281493.2, NM_001281494.2); short protein forms Q626E, Q496E, Q324E.
Identifiers: ClinVar variation 525826 (VCV000525826.19), dbSNP rs1553413253, ClinGen allele CA346749935.

ClinVar aggregate classification (germline): Uncertain significance. Review status: criteria provided, multiple submitters, no conflicts (2 of 4 stars). 5 submissions from 5 submitters: Uncertain significance (5). Last evaluated 2026-01-27.

Conditions:
Hereditary nonpolyposis colorectal neoplasms. Identifiers: MedGen C0009405, MeSH D003123.
Hereditary cancer-predisposing syndrome. Also called: Neoplastic Syndromes, Hereditary; Tumor predisposition; Hereditary Cancer Syndrome; Hereditary neoplastic syndrome. Identifiers: Orphanet 140162, MedGen C0027672, MeSH D009386, MONDO:0015356.

Allele frequency attached by ClinVar (database versions not stated): gnomAD exomes below 0.00001.

Submissions (5):

Labcorp Genetics (formerly Invitae), Labcorp
Classification: Uncertain significance for Hereditary nonpolyposis colorectal neoplasms. Last evaluated: 2026-01-27. Review status: criteria provided, single submitter. Criteria: Invitae Variant Classification Sherloc (09022015). Collection method: clinical testing. Allele origin: germline.
Comment: This sequence change replaces glutamine, which is neutral and polar, with glutamic acid, which is acidic and polar, at codon 626 of the MSH6 protein (p.Gln626Glu). This variant is not present in population databases (gnomAD no frequency). This missense change has been observed in individual(s) with pancreatic cancer (PMID: 32980694). ClinVar contains an entry for this variant (Variation ID: 525826). Invitae Evidence Modeling of protein sequence and biophysical properties (such as structural, functional, and spatial information, amino acid conservation, physicochemical variation, residue mobility, and thermodynamic stability) indicates that this missense variant is not expected to disrupt MSH6 protein function with a negative predictive value of 95%. In summary, the available evidence is currently insufficient to determine the role of this variant in disease. Therefore, it has been classified as a Variant of Uncertain Significance.

Color Diagnostics, LLC DBA Color Health
Classification: Uncertain significance for Hereditary cancer-predisposing syndrome. Last evaluated: 2021-09-02. Review status: criteria provided, single submitter. Criteria: ACMG Guidelines, 2015. Collection method: clinical testing. Allele origin: germline.
Comment: This missense variant replaces glutamine with glutamic acid at codon 626 of the MSH6 protein. Computational prediction is inconclusive regarding the impact of this variant on protein structure and function (internally defined REVEL score threshold 0.5 < inconclusive < 0.7, PMID: 27666373). To our knowledge, functional studies have not been reported for this variant. This variant has been reported in individuals affected with pancreatic cancer but also in multiple healthy control individuals in the same study (PMID: 32980694). This variant has not been identified in the general population by the Genome Aggregation Database (gnomAD). The available evidence is insufficient to determine the role of this variant in disease conclusively. Therefore, this variant is classified as a Variant of Uncertain Significance.

Sema4
Classification: Uncertain significance for Hereditary cancer-predisposing syndrome. Last evaluated: 2021-06-19. Review status: criteria provided, single submitter. Criteria: Sema4 Curation Guidelines. Collection method: curation. Allele origin: germline.
Comment: The MSH6 c.1876C>G (p.Q626E) variant has been reported in a case-control study for pancreatic cancer at a frequency of 0.299% and 0.89% in cases and controls respectively (p=0.07, OR=3.4; 95% CI [0.6-11.3]; PMID: 32980694). This variant was not observed in the large and broad cohorts of the Genome Aggregation Database (PMID: 32461654). This variant has been reported in ClinVar (Variation ID 525826). Functional studies have not been performed, and in silico predictions of the variant's effect on protein function are inconclusive. The overall evidence is insufficient to meet ACMG/AMP criteria for classifying it as benign or pathogenic. In summary, the clinical significance of this variant is currently uncertain.

Women's Health and Genetics/Laboratory Corporation of America, LabCorp
Classification: Uncertain significance. Last evaluated: 2020-12-18. Review status: criteria provided, single submitter. Criteria: LabCorp Variant Classification Summary - May 2015. Collection method: clinical testing. Allele origin: germline.
Comment: Variant summary: MSH6 c.1876C>G (p.Gln626Glu) results in a conservative amino acid change located in the DNA mismatch repair protein MutS, connector domain (IPR007860) of the encoded protein sequence. Four of five in-silico tools predict a benign effect of the variant on protein function. The variant allele was found at a frequency of 7.1e-05 in 297786 control chromosomes (gnomAD and publication), predominantly at a frequency of 0.00044 within Japanese controls who were 60 years old or over and did not have personal nor family history of cancers (Mizukami_2020). The observed variant frequency within Japanese control individuals is approximately 3-fold of the estimated maximal expected allele frequency for a pathogenic variant in MSH6 causing Lynch Syndrome phenotype (0.00014), suggesting that the variant may be a benign polymorphism found primarily in the Japanese population. c.1876C>G has been reported in the literature in Japanese individuals affected with pancreatic cancer but it was also reported in multiple controls, as described above (Mizukami_2020). This report does not provide unequivocal conclusions about association of the variant with Lynch Syndrome. To our knowledge, no experimental evidence demonstrating an impact on protein function has been reported. Two ClinVar submitters (evaluation after 2014) cite the variant as uncertain significance. Based on the evidence outlined above, the variant was classified as uncertain significance until additional evidence of clinical and or functional importance becomes available.

Ambry Genetics
Classification: Uncertain significance for Hereditary cancer-predisposing syndrome. Last evaluated: 2019-03-20. Review status: criteria provided, single submitter. Criteria: Ambry Variant Classification Scheme 2023. Collection method: clinical testing. Allele origin: germline.
Comment: The p.Q626E variant (also known as c.1876C>G), located in coding exon 4 of the MSH6 gene, results from a C to G substitution at nucleotide position 1876. The glutamine at codon 626 is replaced by glutamic acid, an amino acid with highly similar properties. This amino acid position is highly conserved in available vertebrate species. In addition, the in silico prediction for this alteration is inconclusive. In addition, the CoDP in silico tool predicts this alteration to have minor impact on molecular function, with a score of 0.018 (Terui H et al. J. Biomed. Sci. 2013 Apr;20:25). Since supporting evidence is limited at this time, the clinical significance of this alteration remains unclear.

Literature cited by the submitters: PubMed 32980694 (cited by 3 submitters).